The following is an entry in ClinVar:

ClinVar aggregate classification (germline): Benign/Likely benign. Review status: criteria provided, multiple submitters, no conflicts (2 of 4 stars). 2 submissions from 2 submitters: Benign (1); Likely benign (1). Last evaluated 2025-08-11.

Conditions:
SPRED1-related disorder. Also called: SPRED1-related condition.
Legius syndrome. Identifiers: Orphanet 137605, MedGen C1969623, MONDO:0012669, OMIM 611431. Disease mechanism: loss of function.

Submissions (2):

PreventionGenetics, part of Exact Sciences
Classification: Likely benign for SPRED1-related condition. Last evaluated: 2025-08-11. Review status: criteria provided, single submitter. Criteria: ACMG Guidelines, 2015. Collection method: clinical testing. Allele origin: germline.
Comment: This variant is classified as likely benign based on ACMG/AMP sequence variant interpretation guidelines (Richards et al. 2015 PMID: 25741868, with internal and published modifications).

Labcorp Genetics (formerly Invitae), Labcorp
Classification: Benign for Legius syndrome. Last evaluated: 2024-12-02. Review status: criteria provided, single submitter. Criteria: Invitae Variant Classification Sherloc (09022015). Collection method: clinical testing. Allele origin: germline.

NM_152594.3(SPRED1):c.685-3dup

Gene: SPRED1 (sprouty related EVH1 domain containing 1; plus strand). Cytogenetic location: 15q14.
Variant type: Duplication.
Coding change: c.685-3dup on transcript NM_152594.3 (MANE Select); 3 bases into the intron before coding-DNA position 685, one base duplicated (T; older notation c.685-3dupT).
Molecular consequence: intron variant.
Genome position (GRCh38, 1-based): chr15:38,351,011, T duplicated; the last of 6 consecutive T bases (chr15:38,351,006-38,351,011); duplicating any one gives the same sequence. VCF-style (leftmost placement, unchanged base first): chr15-38351005-C-CT. GRCh37 (hg19) VCF-style: chr15-38643206-C-CT.
Other names: c.685-3dupT (NM_152594.2).
Identifiers: ClinVar variation 3726343 (VCV003726343.3).